The following is an entry in ClinVar:

NM_001136032.3(KLK11):c.483G>C (p.Leu161Phe)

Gene: KLK11 (kallikrein related peptidase 11; minus strand). Cytogenetic location: 19q13.41.
Variant type: single nucleotide variant.
Coding change: c.483G>C on transcript NM_001136032.3 (MANE Select); coding-DNA position 483, G replaced by C.
Protein change: p.Leu161Phe; replaces leucine 161 with phenylalanine.
Molecular consequence: missense variant.
Genome position (GRCh38, 1-based): chr19:51,023,209, C>G on the plus strand (G>C on the coding strand, the complement: KLK11 is on the minus strand). VCF-style: chr19-51023209-C-G. GRCh37 (hg19) VCF-style: chr19-51526465-C-G.
Other names: c.558G>C, p.Leu186Phe (NM_001167605.2); c.483G>C, p.Leu161Phe (NM_006853.3); c.579G>C, p.Leu193Phe (NM_144947.3); short protein forms L193F, L186F, L161F.
Identifiers: ClinVar variation 2337637 (VCV002337637.4), dbSNP rs375260719, ClinGen allele CA9607038.

ClinVar aggregate classification (germline): Uncertain significance. Review status: criteria provided, multiple submitters, no conflicts (2 of 4 stars). 2 submissions from 2 submitters: Uncertain significance (2). Last evaluated 2025-11-10.

Conditions:
Ichthyosis with erythrokeratoderma (IEKD). Identifiers: MedGen C5882691, MONDO:0957783, OMIM 620507.
Inborn genetic diseases. Identifiers: MedGen C0950123, MeSH D030342.

Allele frequency attached by ClinVar (database versions not stated): gnomAD exomes below 0.00001; ExAC 0.00002; gnomAD 0.00002; TOPMed 0.00002; ESP Exome Variant Server 0.00008.
gnomAD v4.1: 9 of 1,613,156 alleles (0.00056%); highest among the groups gnomAD compares: African/African-American, 0.0067%; no homozygotes.

Submissions (2):

Dasa
Classification: Uncertain significance for Ichthyosis with erythrokeratoderma. Last evaluated: 2025-11-10. Review status: criteria provided, single submitter. Criteria: DASA Assertion Criteria. Collection method: clinical testing. Allele origin: germline.
Comment: NM_001136032.3(KLK11):c.483G>C (p.Leu161Phe) is a missense variant that results in the substitution of leucine with phenylalanine. This variant is rare in population databases. Computational prediction algorithms are consistent with a deleterious effect. The currently available literature and clinical evidence are not sufficient to establish a definitive association between this variant and the reported condition. Therefore, this variant is classified as a variant of uncertain significance.

Ambry Genetics
Classification: Uncertain significance for Inborn genetic diseases. Last evaluated: 2022-12-20. Review status: criteria provided, single submitter. Criteria: Ambry Variant Classification Scheme 2023. Collection method: clinical testing. Allele origin: germline.